The following is an entry in ClinVar:

ClinVar aggregate classification (germline): Likely benign (1 of 4 stars; one submission).

Allele frequency attached by ClinVar (database versions not stated): gnomAD 0.00001; gnomAD exomes 0.00002; TOPMed 0.00002.
gnomAD v4.1: 33 of 1,613,918 alleles (0.002%); highest among the groups gnomAD compares: African/African-American, 0.0027%; no homozygotes.

Submission:

CeGaT Center for Human Genetics Tuebingen
Classification: Likely benign. Last evaluated: 2024-04-01. Review status: criteria provided, single submitter. Criteria: CeGaT Center For Human Genetics Tuebingen Variant Classification Criteria Version 2. Collection method: clinical testing. Allele origin: germline. Affected: yes. Observed: 1 variant allele.
Comment: DGAT2: BP4, BP7

NM_032564.5(DGAT2):c.957C>T (p.Leu319=)

Gene: DGAT2 (diacylglycerol O-acyltransferase 2; plus strand). Cytogenetic location: 11q13.5.
Variant type: single nucleotide variant.
Coding change: c.957C>T on transcript NM_032564.5 (MANE Select); coding-DNA position 957, C replaced by T.
Protein change: p.Leu319=; no amino-acid change (leucine 319 retained).
Molecular consequence: synonymous variant.
Genome position (GRCh38, 1-based): chr11:75,798,374, C>T. VCF-style: chr11-75798374-C-T. GRCh37 (hg19) VCF-style: chr11-75509419-C-T.
Other names: c.828C>T, p.Leu276= (NM_001253891.2).
Identifiers: ClinVar variation 3234434 (VCV003234434.20), dbSNP rs1436162926, ClinGen allele CA475738583.